The following is an entry in ClinVar:

NM_001260.3(CDK8):c.922G>A (p.Ala308Thr)

Gene: CDK8 (cyclin dependent kinase 8; plus strand). Cytogenetic location: 13q12.13.
Variant type: single nucleotide variant.
Coding change: c.922G>A on transcript NM_001260.3 (MANE Select); coding-DNA position 922, G replaced by A.
Protein change: p.Ala308Thr; replaces alanine 308 with threonine.
Molecular consequence: missense variant.
Genome position (GRCh38, 1-based): chr13:26,397,214, G>A. VCF-style: chr13-26397214-G-A. GRCh37 (hg19) VCF-style: chr13-26971351-G-A.
Other names: c.922G>A, p.Ala308Thr (NM_001318368.2); c.403G>A, p.Ala135Thr (NM_001346501.2); short protein forms A135T, A308T.
Identifiers: ClinVar variation 4873697 (VCV004873697.2).

ClinVar aggregate classification (germline): Uncertain significance (1 of 4 stars; one submission).

Submission:

CeGaT Center for Human Genetics Tuebingen
Classification: Uncertain significance. Last evaluated: 2026-05-01. Review status: criteria provided, single submitter. Criteria: CeGaT Center For Human Genetics Tuebingen Variant Classification Criteria Version 2. Collection method: clinical testing. Allele origin: germline. Affected: yes. Observed: 1 variant allele.
Comment: CDK8: PM2, PP2